The following is an entry in ClinVar:

ClinVar aggregate classification (germline): Uncertain significance (1 of 4 stars; one submission).

gnomAD v4.1: 1 of 1,613,542 alleles (0.000062%); no homozygotes.

Submission:

GeneDx
Classification: Uncertain significance. Last evaluated: 2023-05-14. Review status: criteria provided, single submitter. Criteria: GeneDx Variant Classification Process June 2021. Collection method: clinical testing. Allele origin: germline. Affected: yes.
Comment: Not observed at significant frequency in large population cohorts (gnomAD); In silico analysis supports that this missense variant does not alter protein structure/function; Has not been previously published as pathogenic or benign to our knowledge

NM_001367561.1(DOCK7):c.2554G>A (p.Val852Ile)

Gene: DOCK7 (dedicator of cytokinesis 7; minus strand). Cytogenetic location: 1p31.3.
Variant type: single nucleotide variant.
Coding change: c.2554G>A on transcript NM_001367561.1 (MANE Select); coding-DNA position 2554, G replaced by A.
Protein change: p.Val852Ile; replaces valine 852 with isoleucine.
Molecular consequence: missense variant.
Genome position (GRCh38, 1-based): chr1:62,555,867, C>T on the plus strand (G>A on the coding strand, the complement: DOCK7 is on the minus strand). VCF-style: chr1-62555867-C-T. GRCh37 (hg19) VCF-style: chr1-63021538-C-T.
Other names: c.2554G>A, p.Val852Ile (NM_001271999.2, NM_001272000.2, NM_001272001.2 and 2 more transcripts); short protein forms V852I.
Identifiers: ClinVar variation 2663650 (VCV002663650.1), dbSNP rs2525074715, ClinGen allele CA340623184.